The following is an entry in ClinVar:

ClinVar aggregate classification (germline): Benign. Review status: no assertion criteria provided (0 of 4 stars). 2 submissions from 1 submitter: Benign (1). 1 of the submissions does not count toward it. Last evaluated 2013-08-26.

Submissions (2):

ISCA site 4
Classification: Benign. Last evaluated: 2013-08-26. Review status: no assertion criteria provided. Collection method: clinical testing. Allele origin: unknown. Affected: yes. Observed: 16 variant alleles. Clinical features observed: Autism (HP:0000717), Developmental delay AND/OR other significant developmental or morphological phenotypes, Seizure (HP:0001250), Intellectual disability, profound (HP:0002187), Cleft palate (HP:0000175), Ataxia (HP:0001251), Intellectual disability (HP:0001249), Seizure (HP:0002391).

ISCA site 4
Classification: Benign. Last evaluated: 2011-08-12. Review status: flagged submission. Criteria: Kaminsky et al. (Genet Med. 2011). Collection method: clinical testing. Allele origin: unknown. Affected: yes. Observed: 2 variant alleles. Not counted in ClinVar's aggregate classification.
Comment: Copy number variation identified through the course of routine clinical cytogenomic testing in postnatal populations. Clinical assertions have been curated as described in Kaminsky et al. 2011.
ClinVar note: Reason: This record appears to be redundant with a more recent record from the same submitter.
ClinVar note: Notes: SCV000077583 appears to be redundant with SCV000172992.

GRCh38/hg38 8p23.1(chr8:7195664-7895064)x1

Genes: DEFB103A (defensin beta 103A; plus strand), DEFB103B (defensin beta 103B), DEFB104A (defensin beta 104A; plus strand), DEFB104B (defensin beta 104B), DEFB105A (defensin beta 105A; minus strand) and 37 more. Cytogenetic location: 8p23.1.
Variant type: copy number loss.
Change: copy number 1 (one copy instead of two) of chr8:7,195,664-7,895,064 (699.4 kb, GRCh38 coordinates, 1-based), cytogenetic band 8p23.1.
Identifiers: ClinVar variation 31972 (VCV000031972.3).